The following is an entry in ClinVar:

ClinVar aggregate classification (germline): Pathogenic (1 of 4 stars; one submission).

Conditions:
Dilated cardiomyopathy 1J (CMD1J). Also called: CARDIOMYOPATHY, DILATED, WITH SENSORINEURAL HEARING LOSS, AUTOSOMAL DOMINANT. Identifiers: Orphanet 217622, MedGen C1854368, MONDO:0011541, OMIM 605362.

Submission:

Labcorp Genetics (formerly Invitae), Labcorp
Classification: Pathogenic for Dilated cardiomyopathy 1J. Last evaluated: 2025-11-06. Review status: criteria provided, single submitter. Criteria: Invitae Variant Classification Sherloc (09022015). Collection method: clinical testing. Allele origin: germline.
Comment: This sequence change creates a premature translational stop signal (p.Pro362Argfs*42) in the EYA4 gene. It is expected to result in an absent or disrupted protein product. Loss-of-function variants in EYA4 are known to be pathogenic (PMID: 11159937, 25781927, 25963406). This variant is not present in population databases (gnomAD no frequency). This variant has not been reported in the literature in individuals affected with EYA4-related conditions. For these reasons, this variant has been classified as Pathogenic.

Literature cited by the submitters: PubMed 11159937; PubMed 25781927; PubMed 25963406.

NM_004100.5(EYA4):c.1085del (p.Pro362fs)

Gene: EYA4 (EYA transcriptional coactivator and phosphatase 4; plus strand). Cytogenetic location: 6q23.2.
Variant type: Deletion.
Coding change: c.1085del on transcript NM_004100.5 (MANE Select); coding-DNA position 1085, one base deleted (C; older notation c.1085delC).
Protein change: p.Pro362fs; shifts the reading frame from proline 362.
Molecular consequence: frameshift variant.
Genome position (GRCh38, 1-based): chr6:133,481,577, C deleted; the last of 4 consecutive C bases (chr6:133,481,574-133,481,577); deleting any one gives the same sequence. VCF-style (leftmost placement, unchanged base first): chr6-133481573-TC-T. GRCh37 (hg19) VCF-style: chr6-133802711-TC-T.
Other names: c.923del, p.Pro308fs (NM_001301012.2); c.1103del, p.Pro368fs (NM_001301013.2); c.1016del, p.Pro339fs (NM_001370458.1, NM_172103.4); c.941del, p.Pro314fs (NM_001370459.1); c.1085del, p.Pro362fs (NM_172105.4); short protein forms P308fs, P362fs, P368fs, P339fs, P314fs.
Identifiers: ClinVar variation 4730120 (VCV004730120.1).